The following is an entry in ClinVar:

NM_002907.4(RECQL):c.1052A>C (p.Glu351Ala)

Gene: RECQL (RecQ like helicase; minus strand). Cytogenetic location: 12p12.1.
Variant type: single nucleotide variant.
Coding change: c.1052A>C on transcript NM_002907.4 (MANE Select); coding-DNA position 1052, A replaced by C.
Protein change: p.Glu351Ala; replaces glutamic acid 351 with alanine.
Molecular consequence: missense variant.
Genome position (GRCh38, 1-based): chr12:21,475,722, T>G on the plus strand (A>C on the coding strand, the complement: RECQL is on the minus strand). VCF-style: chr12-21475722-T-G. GRCh37 (hg19) VCF-style: chr12-21628656-T-G.
Other names: c.1052A>C, p.Glu351Ala (NM_032941.3); short protein forms E351A.
Identifiers: ClinVar variation 5028036 (VCV005028036.1).

ClinVar aggregate classification (germline): Uncertain significance (1 of 4 stars; one submission).

Submission:

Ambry Genetics
Classification: Uncertain significance. Last evaluated: 2026-07-26. Review status: criteria provided, single submitter. Criteria: Ambry Variant Classification Scheme 2023. Collection method: clinical testing. Allele origin: germline.
Comment: The p.E351A variant (also known as c.1052A>C), located in coding exon 8 of the RECQL gene, results from an A to C substitution at nucleotide position 1052. The glutamic acid at codon 351 is replaced by alanine, an amino acid with dissimilar properties. This amino acid position is conserved. In addition, this alteration is predicted to be tolerated by in silico analysis. Based on the available evidence, the clinical significance of this variant remains unclear.